The following is an entry in ClinVar:

NM_031407.7(HUWE1):c.12632G>A (p.Cys4211Tyr)

Gene: HUWE1 (HECT, UBA and WWE domain containing E3 ubiquitin protein ligase 1; minus strand). Cytogenetic location: Xp11.22.
Variant type: single nucleotide variant.
Coding change: c.12632G>A on transcript NM_031407.7 (MANE Select); coding-DNA position 12632, G replaced by A.
Protein change: p.Cys4211Tyr; replaces cysteine 4211 with tyrosine.
Molecular consequence: missense variant.
Genome position (GRCh38, 1-based): chrX:53,535,401, C>T on the plus strand (G>A on the coding strand, the complement: HUWE1 is on the minus strand). VCF-style: chrX-53535401-C-T. GRCh37 (hg19) VCF-style: chrX-53562362-C-T.
Other names: short protein forms C4211Y.
Identifiers: ClinVar variation 3634915 (VCV003634915.2).

ClinVar aggregate classification (germline): Uncertain significance (1 of 4 stars; one submission).

Submission:

Labcorp Genetics (formerly Invitae), Labcorp
Classification: Uncertain significance. Last evaluated: 2024-09-01. Review status: criteria provided, single submitter. Criteria: Invitae Variant Classification Sherloc (09022015). Collection method: clinical testing. Allele origin: germline.
Comment: This sequence change replaces cysteine, which is neutral and slightly polar, with tyrosine, which is neutral and polar, at codon 4211 of the HUWE1 protein (p.Cys4211Tyr). This variant is not present in population databases (gnomAD no frequency). This variant has not been reported in the literature in individuals affected with HUWE1-related conditions. Invitae Evidence Modeling of protein sequence and biophysical properties (such as structural, functional, and spatial information, amino acid conservation, physicochemical variation, residue mobility, and thermodynamic stability) indicates that this missense variant is expected to disrupt HUWE1 protein function with a positive predictive value of 95%. In summary, the available evidence is currently insufficient to determine the role of this variant in disease. Therefore, it has been classified as a Variant of Uncertain Significance.